The following is an entry in ClinVar:

NM_000551.4(VHL):c.250G>A (p.Val84Met)

Gene: VHL (von Hippel-Lindau tumor suppressor; plus strand). Cytogenetic location: 3p25.3.
Variant type: single nucleotide variant.
Coding change: c.250G>A on transcript NM_000551.4 (MANE Select); coding-DNA position 250, G replaced by A.
Protein change: p.Val84Met; replaces valine 84 with methionine.
Molecular consequence: missense variant.
Genome position (GRCh38, 1-based): chr3:10,142,097, G>A. VCF-style: chr3-10142097-G-A. GRCh37 (hg19) VCF-style: chr3-10183781-G-A.
Other names: c.250G>A, p.Val84Met (NM_001354723.2, NM_198156.3); short protein forms V84M.
Identifiers: ClinVar variation 428813 (VCV000428813.20), dbSNP rs5030827, ClinGen allele CA351750580.

ClinVar aggregate classification (germline): Pathogenic/Likely pathogenic. Review status: criteria provided, multiple submitters, no conflicts (2 of 4 stars). 7 submissions from 7 submitters: Pathogenic (1); Likely pathogenic (5). 1 of the submissions does not count toward it. Last evaluated 2026-01-13.

Conditions:
Von Hippel-Lindau syndrome (VHLS). Also called: VHL syndrome; Von Hippel-Lindau; von Hippel–Lindau syndrome. Identifiers: Orphanet 892, MedGen C0019562, MONDO:0008667, OMIM 193300. Disease mechanism: loss of function.
Chuvash polycythemia. Also called: POLYCYTHEMIA, VHL-DEPENDENT. Identifiers: Orphanet 238557, MedGen C1837915, MONDO:0009892, OMIM 263400.
Hereditary cancer-predisposing syndrome. Also called: Tumor predisposition; Hereditary neoplastic syndrome; Neoplastic Syndromes, Hereditary; Hereditary Cancer Syndrome. Identifiers: Orphanet 140162, MedGen C0027672, MeSH D009386, MONDO:0015356.

Allele frequency attached by ClinVar (database versions not stated): gnomAD exomes below 0.00001.
gnomAD v4.1: 1 of 1,604,028 alleles (0.000062%); highest among the groups gnomAD compares: Non-Finnish European, 0.000085%; no homozygotes.

Submissions (7):

Labcorp Genetics (formerly Invitae), Labcorp
Classification: Pathogenic for Von Hippel-Lindau syndrome; Chuvash polycythemia. Last evaluated: 2026-01-13. Review status: criteria provided, single submitter. Criteria: Invitae Variant Classification Sherloc (09022015). Collection method: clinical testing. Allele origin: germline.
Comment: This sequence change replaces valine, which is neutral and non-polar, with methionine, which is neutral and non-polar, at codon 84 of the VHL protein (p.Val84Met). This variant is present in population databases (no rsID available, gnomAD 0.001%). This missense change has been observed in individuals with clinical features of von Hippel-Lindau syndrome (PMID: 17688370; external communication). It has also been observed to segregate with disease in related individuals. ClinVar contains an entry for this variant (Variation ID: 428813). Invitae Evidence Modeling of protein sequence and biophysical properties (such as structural, functional, and spatial information, amino acid conservation, physicochemical variation, residue mobility, and thermodynamic stability) indicates that this missense variant is expected to disrupt VHL protein function with a positive predictive value of 95%. Experimental studies are conflicting or provide insufficient evidence to determine the effect of this variant on VHL function (PMID: 17906660). This variant disrupts the p.Val84 amino acid residue in VHL. Other variant(s) that disrupt this residue have been determined to be pathogenic (PMID: 8592333, 11331612, 16502427, 25078357). This suggests that this residue is clinically significant, and that variants that disrupt this residue are likely to be disease-causing. For these reasons, this variant has been classified as Pathogenic.

Ambry Genetics
Classification: Likely pathogenic for Hereditary cancer-predisposing syndrome. Last evaluated: 2025-08-18. Review status: criteria provided, single submitter. Criteria: Ambry Variant Classification Scheme 2023. Collection method: clinical testing. Allele origin: germline.
Comment: The p.V84M variant (also known as c.250G>A), located in coding exon 1 of the VHL gene, results from a G to A substitution at nucleotide position 250. The valine at codon 84 is replaced by methionine, an amino acid with highly similar properties. This variant was reported in individual(s) with features consistent with von Hippel-Lindau syndrome (Stanojevic BR et al. Neoplasma. 2007;54:402-6; Eisenhofer G et al. Horm. Metab. Res. 2012 May;44(5):343-8; Ma X et al. Front Endocrinol (Lausanne), 2020 Dec;11:574662; Yonamine M et al. Cancers (Basel), 2021 Aug;13:; Ambry internal data). This amino acid position is highly conserved in available vertebrate species. In addition, this alteration is predicted to be deleterious by in silico analysis. Based on the majority of available evidence to date, this variant is likely to be pathogenic.

Quest Diagnostics Nichols Institute San Juan Capistrano
Classification: Likely pathogenic. Last evaluated: 2025-01-16. Review status: criteria provided, single submitter. Criteria: Quest Diagnostics criteria. Collection method: clinical testing. Allele origin: unknown.
Comment: The VHL c.250G>A (p.Val84Met) variant has been reported in the published literature in individuals with a pheochromocytoma and/or paraganglioma (PMIDs: 17688370 (2007), 22438210 (2012), 33362715 (2020), and 34439168 (2021)). It has also been described in individuals with clear cell renal carcinoma (PMID: 17906660 (2007)), hemangioblastoma (PMID: 20233476 (2004)), and sebaceous carcinoma (PMID: 27311873 (2016)). The frequency of this variant in the general population (Genome Aggregation Database) is uninformative in the assessment of its pathogenicity. Analysis of this variant using bioinformatics tools for the prediction of the effect of amino acid changes on protein structure and function yielded predictions that this variant is damaging. Based on the available information, this variant is classified as likely pathogenic.

GeneDx
Classification: Likely pathogenic. Last evaluated: 2024-12-23. Review status: criteria provided, single submitter. Criteria: GeneDx Variant Classification Process June 2021. Collection method: clinical testing. Allele origin: germline.
Comment: Observed in individuals with pheochromocytoma and/or paraganglioma (PMID: 17688370, 22438210); Not observed at significant frequency in large population cohorts (gnomAD); In silico analysis indicates that this missense variant does not alter protein structure/function; This variant is associated with the following publications: (PMID: 17688370, 17906660, 22438210, 16502427, 17004871, 21463266, 22517557)

Institute for Genomic Medicine (IGM) Clinical Laboratory, Nationwide Children's Hospital
Classification: Likely pathogenic for Von Hippel-Lindau syndrome. Last evaluated: 2022-12-16. Review status: criteria provided, single submitter. Criteria: ACMG Guidelines, 2015. Collection method: clinical testing. Allele origin: germline.
Comment: This variant has been reported at an elevated frequency in affected individuals/in multiple affected individuals in the literature (ACMG/AMP: PS4_Moderate; PMIDs:20233476, 22438210, 33362715, 34439168). This variant is absent from or present at an exceedingly low frequency in gnomAD, a large-scale control population database (ACMG/AMP: PM2). A different substitution at this amino acid position has been reported as pathogenic (ACMG/AMP: PM5). This variant occurs in a gene with a low rate of benign missense variation, in which missense alterations are a common mechanism of disease (ACMG/AMP: PP2). This variant is predicted to alter protein function or structure, or disrupt splicing by multiple in silico tools (ACMG/AMP: PP3).

Johns Hopkins Genomics, Johns Hopkins University
Classification: Likely pathogenic for Von Hippel-Lindau syndrome. Last evaluated: 2021-10-20. Review status: criteria provided, single submitter. Criteria: ACMG Guidelines, 2015. Collection method: clinical testing. Allele origin: germline.

Genomic Diagnostic Laboratory, Division of Genomic Diagnostics, Children's Hospital of Philadelphia
Classification: Uncertain significance for von Hippel-Lindau syndrome. Last evaluated: 2018-08-01. Review status: flagged submission. Criteria: DGD Variant Analysis Guidelines. Collection method: clinical testing. Allele origin: germline. Affected: yes. Observed: 1 variant allele. Not counted in ClinVar's aggregate classification.
ClinVar note: Reason: Outlier claim with insufficient supporting evidence

Literature cited by the submitters: PubMed 17688370 (cited by 3 submitters); PubMed 17906660 (cited by 3 submitters); PubMed 8592333 (cited by Labcorp Genetics (formerly Invitae), Labcorp); PubMed 11331612 (cited by Labcorp Genetics (formerly Invitae), Labcorp); PubMed 16502427 (cited by Labcorp Genetics (formerly Invitae), Labcorp and Johns Hopkins Genomics, Johns Hopkins University); PubMed 25078357 (cited by Labcorp Genetics (formerly Invitae), Labcorp); PubMed 20233476 (cited by Ambry Genetics and Institute for Genomic Medicine (IGM) Clinical Laboratory, Nationwide Children's Hospital); PubMed 22438210 (cited by 3 submitters); PubMed 27311873 (cited by Ambry Genetics); PubMed 33362715 (cited by 3 submitters); PubMed 34439168 (cited by 3 submitters); PubMed 16142346 (cited by Johns Hopkins Genomics, Johns Hopkins University); PubMed 20223044 (cited by Johns Hopkins Genomics, Johns Hopkins University).